The following is an entry in ClinVar:

NC_000023.10:g.(?_107898541)_(107898707_?)del

Gene: COL4A5 (collagen type IV alpha 5 chain; plus strand). Cytogenetic location: Xq22.3.
Variant type: Deletion.
Identifiers: ClinVar variation 3246244 (VCV003246244.1).

ClinVar aggregate classification (germline): Pathogenic (1 of 4 stars; one submission).

Submission:

Labcorp Genetics (formerly Invitae), Labcorp
Classification: Pathogenic. Last evaluated: 2023-02-03. Review status: criteria provided, single submitter. Criteria: Invitae Variant Classification Sherloc (09022015). Collection method: clinical testing. Allele origin: unknown.
Comment: This variant is a gross deletion of the genomic region encompassing exon(s) 37 of the COL4A5 gene. This deletion is out-of-frame, and is expected to create a premature termination codon and result in an absent or disrupted protein product. Loss-of-function variants in COL4A5 are known to be pathogenic (PMID: 9195222, 10752524, 14514738, 24854265, 26809805). A similar copy number variant has been observed in individual(s) with Alport syndrome (PMID: 10561141). For these reasons, this variant has been classified as Pathogenic.

Literature cited by the submitters: PubMed 9195222; PubMed 10752524; PubMed 14514738; PubMed 24854265; PubMed 26809805; PubMed 10561141.